The following is an entry in ClinVar:

ClinVar aggregate classification (germline): Uncertain significance (1 of 4 stars; one submission).

Submission:

Mayo Clinic Laboratories, Mayo Clinic
Classification: Uncertain significance. Last evaluated: 2025-08-20. Review status: criteria provided, single submitter. Criteria: ACMG Guidelines, 2015. Collection method: clinical testing. Allele origin: germline. Observed: 1 variant allele.
Comment: PM2_supporting

NM_017547.4(FOXRED1):c.307-63_307-5del

Gene: FOXRED1 (FAD dependent oxidoreductase domain containing 1; plus strand). Cytogenetic location: 11q24.2.
Variant type: Deletion.
Coding change: c.307-63_307-5del on transcript NM_017547.4 (MANE Select); 63 bases into the intron before coding-DNA position 307 through 5 bases into the intron before coding-DNA position 307, 59 bases deleted.
Molecular consequence: intron variant.
Genome position (GRCh38, 1-based): chr11:126,272,906-126,272,964, 59 bases deleted. GRCh37 (hg19): chr11:126,142,801-126,142,859.
Other names: p.?; c.-204-63_-204-5del (NM_001425168.1, NM_001425170.1); c.307-63_307-5del (NM_001425160.1, NM_001425161.1, NM_001425165.1 and 4 more transcripts); c.-224-63_-224-5del (NM_001425169.1); c.-251-63_-251-5del (NM_001425171.1, NM_001425172.1); c.-232-63_-232-5del (NM_001425174.1, NM_001425175.1, NM_001425173.1).
Identifiers: ClinVar variation 4541670 (VCV004541670.1).